The following is an entry in ClinVar:

NM_000288.4(PEX7):c.531T>G (p.Asp177Glu)

Gene: PEX7 (peroxisomal biogenesis factor 7; plus strand). Cytogenetic location: 6q23.3.
Variant type: single nucleotide variant.
Coding change: c.531T>G on transcript NM_000288.4 (MANE Select); coding-DNA position 531, T replaced by G.
Protein change: p.Asp177Glu; replaces aspartic acid 177 with glutamic acid.
Molecular consequence: missense variant.
Genome position (GRCh38, 1-based): chr6:136,866,631, T>G. VCF-style: chr6-136866631-T-G. GRCh37 (hg19) VCF-style: chr6-137187769-T-G.
Other names: short protein forms D177E.
Identifiers: ClinVar variation 986413 (VCV000986413.2), dbSNP rs2115216571, ClinGen allele CA365762800.
Genomic context (GRCh38, chr6:136,866,631, plus strand): 5'-GTCACTGCACATTCAAGTGGTGTGATGGGAAATGATCAAGTCTTCCTTTTTACTAGGTGA[T>G]CAGACTCTGAGAATATGGGATGTGAAGGCAGCAGGAGTAAGAATCGTGATTCCTGCACAT-3'
Protein context (NP_000279.1, residues 167-187): IPGCFASASG[Asp177Glu]QTLRIWDVKA

ClinVar aggregate classification (germline): Likely pathogenic (1 of 4 stars; one submission).

Conditions:
Intermediate form of PEX7 related rhizomelic chondrodysplasia punctata.

Submission:

Department of Medical Genetics, Sanjay Gandhi Post Graduate Institute of Medical Sciences
Classification: Likely pathogenic for Intermediate form of PEX7 related rhizomelic chondrodysplasia punctata. Review status: criteria provided, single submitter. Criteria: ACMG Guidelines, 2015. Collection method: research. Allele origin: germline. Inheritance: Autosomal recessive inheritance. Affected: yes. Observed: 2 variant alleles, 2 homozygotes. Clinical features observed: Global developmental delay (HP:0001263), Microcephaly (HP:0000252), Cataract (HP:0000518), Gait imbalance (HP:0002141), Incomprehensible speech (HP:0002546), Coxa vara (HP:0002812), Triangular epiphyses of the phalanges of the hand (HP:0010238), Thoracic kyphosis (HP:0002942).
Comment: Analysis of the exome sequencing data showed a novel homozygous sequence variation in PEX7 gene. This variant is predicted as Disease Causing by various in silico prediction tools like MutationTaster, Provean, and SIFT. This variant is not found in ExAC and 1000G databases.